The following is an entry in ClinVar:

NM_199420.4(POLQ):c.641T>A (p.Val214Asp)

Gene: POLQ (DNA polymerase theta; minus strand). Cytogenetic location: 3q13.33.
Variant type: single nucleotide variant.
Coding change: c.641T>A on transcript NM_199420.4 (MANE Select); coding-DNA position 641, T replaced by A.
Protein change: p.Val214Asp; replaces valine 214 with aspartic acid.
Molecular consequence: missense variant.
Genome position (GRCh38, 1-based): chr3:121,537,199, A>T on the plus strand (T>A on the coding strand, the complement: POLQ is on the minus strand). VCF-style: chr3-121537199-A-T. GRCh37 (hg19) VCF-style: chr3-121256046-A-T.
Other names: short protein forms V214D.
Identifiers: ClinVar variation 3230105 (VCV003230105.1), dbSNP rs2546822827, ClinGen allele CA354090806.

ClinVar aggregate classification (germline): Uncertain significance (1 of 4 stars; one submission).

Submission:

Ambry Genetics
Classification: Uncertain significance. Last evaluated: 2023-10-06. Review status: criteria provided, single submitter. Criteria: Ambry Variant Classification Scheme 2023. Collection method: clinical testing. Allele origin: germline.
Comment: The p.V214D variant (also known as c.641T>A), located in coding exon 5 of the POLQ gene, results from a T to A substitution at nucleotide position 641. The valine at codon 214 is replaced by aspartic acid, an amino acid with highly dissimilar properties. This amino acid position is conserved. In addition, this alteration is predicted to be deleterious by in silico analysis. Since supporting evidence is limited at this time, the clinical significance of this alteration remains unclear.